The following is an entry in ClinVar:

NM_005802.5(TOPORS):c.1549_1551del (p.Glu517del)

Gene: TOPORS (TOP1 binding arginine/serine rich protein, E3 ubiquitin ligase; minus strand). Cytogenetic location: 9p21.1.
Variant type: Deletion.
Coding change: c.1549_1551del on transcript NM_005802.5 (MANE Select); coding-DNA positions 1549 to 1551, 3 bases deleted (GAA; older notation c.1549_1551delGAA).
Protein change: p.Glu517del; deletes glutamic acid 517.
Molecular consequence: inframe deletion.
Genome position (GRCh38, 1-based): chr9:32,542,974-32,542,976, TTC deleted on the plus strand (GAA on the coding strand, the reverse complement: TOPORS is on the minus strand); deleting any 3 consecutive bases within chr9:32,542,974-32,542,978 gives the same sequence; the c. name uses the placement nearest the transcript's 3' end. VCF-style (leftmost placement, unchanged base first): chr9-32542973-GTTC-G. GRCh37 (hg19) VCF-style: chr9-32542971-GTTC-G.
Other names: c.1354_1356del, p.Glu452del (NM_001195622.2); short protein forms E517del, E452del.
Identifiers: ClinVar variation 1463928 (VCV001463928.6), dbSNP rs781526063, ClinGen allele CA5020513.
Genomic context (GRCh38, chr9:32,542,973, plus strand): 5'-CAGAGTGTGGAGATGAGCATCTACTAACATCGCTATCACCAGAACTGTAAGATTGCTCCT[GTTC>G]TTGTGTCTTCACTGTCTCCATTTTCTCATAAGAACCTAAGTCCTCAGAATCAGAGGACAG-3'

ClinVar aggregate classification (germline): Uncertain significance (1 of 4 stars; one submission).

Submission:

Labcorp Genetics (formerly Invitae), Labcorp
Classification: Uncertain significance. Last evaluated: 2024-10-16. Review status: criteria provided, single submitter. Criteria: Invitae Variant Classification Sherloc (09022015). Collection method: clinical testing. Allele origin: germline.
Comment: This variant, c.1549_1551del, results in the deletion of 1 amino acid(s) of the TOPORS protein (p.Glu517del), but otherwise preserves the integrity of the reading frame. This variant is present in population databases (rs781526063, gnomAD 0.003%). This variant has not been reported in the literature in individuals affected with TOPORS-related conditions. ClinVar contains an entry for this variant (Variation ID: 1463928). Experimental studies and prediction algorithms are not available or were not evaluated, and the functional significance of this variant is currently unknown. In summary, the available evidence is currently insufficient to determine the role of this variant in disease. Therefore, it has been classified as a Variant of Uncertain Significance.